The following is an entry in ClinVar:

ClinVar aggregate classification (germline): Benign (1 of 4 stars; one submission).

Allele frequency attached by ClinVar (database versions not stated): TOPMed 0.03080; gnomAD 0.03611 and 0.03647; 1000 Genomes Project 30x 0.04482; 1000 Genomes Project 0.04613.
gnomAD v4.1: 5,402 of 151,074 alleles (3.6%); highest among the groups gnomAD compares: African/African-American, 8.2%; 200 homozygotes.

Submission:

GeneDx
Classification: Benign. Last evaluated: 2018-06-16. Review status: criteria provided, single submitter. Criteria: GeneDx Variant Classification (06012015). Collection method: clinical testing. Allele origin: germline. Affected: yes.
Comment: This variant is considered likely benign or benign based on one or more of the following criteria: it is a conservative change, it occurs at a poorly conserved position in the protein, it is predicted to be benign by multiple in silico algorithms, and/or has population frequency not consistent with disease.

NM_001382391.1(CSPP1):c.1187+274G>T

Gene: CSPP1 (centrosome and spindle pole associated protein 1; plus strand). Cytogenetic location: 8q13.2.
Variant type: single nucleotide variant.
Coding change: c.1187+274G>T on transcript NM_001382391.1 (MANE Select); 274 bases into the intron after coding-DNA position 1187, G replaced by T.
Molecular consequence: intron variant.
Genome position (GRCh38, 1-based): chr8:67,112,339, G>T. VCF-style: chr8-67112339-G-T. GRCh37 (hg19) VCF-style: chr8-68024574-G-T.
Other names: c.1187+274G>T (NM_001363132.2); c.1106+274G>T (NM_001363131.2, NM_001363133.2); c.1295+274G>T (NM_001364869.1); c.1214+274G>T (NM_024790.7, NM_001438331.1, NM_001438330.1); c.1115+274G>T (NM_001364870.1); c.951-5909G>T (NM_001438332.1); c.332+274G>T (NM_001291339.2).
Identifiers: ClinVar variation 673630 (VCV000673630.1), dbSNP rs6998170, ClinGen allele CA178206489.